The following is an entry in ClinVar:

NM_001613.4(ACTA2):c.496C>A (p.Pro166Thr)

Gene: ACTA2 (actin alpha 2, smooth muscle; minus strand). Cytogenetic location: 10q23.31.
Variant type: single nucleotide variant.
Coding change: c.496C>A on transcript NM_001613.4 (MANE Select); coding-DNA position 496, C replaced by A.
Protein change: p.Pro166Thr; replaces proline 166 with threonine.
Molecular consequence: missense variant.
Genome position (GRCh38, 1-based): chr10:88,941,349, G>T on the plus strand (C>A on the coding strand, the complement: ACTA2 is on the minus strand). VCF-style: chr10-88941349-G-T. GRCh37 (hg19) VCF-style: chr10-90701106-G-T.
Other names: c.496C>A, p.Pro166Thr (NM_001141945.3, NM_001320855.2, NM_001406462.1 and 3 more transcripts); c.385C>A, p.Pro129Thr (NM_001406466.1); c.367C>A, p.Pro123Thr (NM_001406467.1, NM_001406468.1, NM_001406469.1); short protein forms P166T, P123T, P129T.
Identifiers: ClinVar variation 263639 (VCV000263639.8), dbSNP rs886038868, ClinGen allele CA10587713.

ClinVar aggregate classification (germline): Uncertain significance. Review status: criteria provided, multiple submitters, no conflicts (2 of 4 stars). 3 submissions from 3 submitters: Uncertain significance (3). Last evaluated 2025-10-06.

Conditions:
Cardiovascular phenotype. Identifiers: MedGen CN230736.
Familial thoracic aortic aneurysm and aortic dissection (TAAD). Also called: Thoracic aortic aneurysms and dissections. Identifiers: Orphanet 91387, MedGen C4707243, MONDO:0019625.
Aortic aneurysm, familial thoracic 6 (AAT6). Also called: FAMILIAL THORACIC AORTIC ANEURYSM WITH LIVEDO RETICULARIS AND IRIS FLOCCULI. Identifiers: MedGen C2673186, MONDO:0012730, OMIM 611788.

Submissions (3):

Color Diagnostics, LLC DBA Color Health
Classification: Uncertain significance for Familial thoracic aortic aneurysm and aortic dissection. Last evaluated: 2025-10-06. Review status: criteria provided, single submitter. Criteria: ACMG Guidelines, 2015. Collection method: clinical testing. Allele origin: germline.
Comment: This missense variant replaces proline with threonine at codon 166 of the ACTA2 protein. Computational prediction suggests that this variant may have deleterious impact on protein structure and function. To our knowledge, functional studies have not been reported for this variant. This variant has been reported in at least two related individuals affected with thoracic aortic dissection and/or aortic aneurysm (PMID: 25759435, 28550590). This variant has not been identified in the general population by the Genome Aggregation Database (gnomAD). The available evidence is insufficient to determine the role of this variant in disease conclusively. Therefore, this variant is classified as a Variant of Uncertain Significance.

Labcorp Genetics (formerly Invitae), Labcorp
Classification: Uncertain significance for Aortic aneurysm, familial thoracic 6. Last evaluated: 2024-09-09. Review status: criteria provided, single submitter. Criteria: Invitae Variant Classification Sherloc (09022015). Collection method: clinical testing. Allele origin: germline.
Comment: This sequence change replaces proline, which is neutral and non-polar, with threonine, which is neutral and polar, at codon 166 of the ACTA2 protein (p.Pro166Thr). This variant is not present in population databases (gnomAD no frequency). This missense change has been observed in individuals with clinical features of ACTA2-related condition (PMID: 25759435). ClinVar contains an entry for this variant (Variation ID: 263639). Invitae Evidence Modeling of protein sequence and biophysical properties (such as structural, functional, and spatial information, amino acid conservation, physicochemical variation, residue mobility, and thermodynamic stability) has been performed for this missense variant. However, the output from this modeling did not meet the statistical confidence thresholds required to predict the impact of this variant on ACTA2 protein function. In summary, the available evidence is currently insufficient to determine the role of this variant in disease. Therefore, it has been classified as a Variant of Uncertain Significance.

Ambry Genetics
Classification: Uncertain significance for Cardiovascular phenotype. Last evaluated: 2013-06-05. Review status: criteria provided, single submitter. Criteria: Ambry Autosomal Dominant and X-Linked criteria (10/2015). Collection method: clinical testing. Allele origin: germline. Observed: 1 variant allele.
Comment: There is insufficient or conflicting evidence for classification of this alteration.

Literature cited by the submitters: PubMed 25759435 (cited by Color Diagnostics, LLC DBA Color Health and Labcorp Genetics (formerly Invitae), Labcorp); PubMed 28550590 (cited by Color Diagnostics, LLC DBA Color Health).